The following is an entry in ClinVar:

NM_001267550.2(TTN):c.49905ACCCAGTGA[1] (p.16635EPS[1])

Genes: TTN (titin; minus strand), TTN-AS1 (TTN antisense RNA 1; plus strand). Cytogenetic location: 2q31.2.
Variant type: Microsatellite.
Coding change: c.49905ACCCAGTGA[1] on transcript NM_001267550.2 (MANE Select); one copy of the 9-base unit ACCCAGTGA starting at c.49905; the reference has two copies in a row; one copy, 9 bases deleted.
Protein change: p.16635EPS[1].
Molecular consequence: inframe deletion.
Genome position (GRCh38, 1-based): chr2:178,612,799-178,612,807, TCACTGGGT deleted on the plus strand (ACCCAGTGA on the coding strand, the reverse complement: TTN is on the minus strand); deleting any 9 consecutive bases within chr2:178,612,799-178,612,821 gives the same sequence; the position shown is the placement nearest the transcript's 3' end. VCF-style (leftmost placement, unchanged base first): chr2-178612798-GTCACTGGGT-G. GRCh37 (hg19) VCF-style: chr2-179477525-GTCACTGGGT-G.
Other names: c.44982ACCCAGTGA[1], p.14994EPS[1] (NM_001256850.1); c.22710ACCCAGTGA[1], p.7570EPS[1] (NM_003319.4); c.42201ACCCAGTGA[1], p.14067EPS[1] (NM_133378.4); c.23085ACCCAGTGA[1], p.7695EPS[1] (NM_133432.3); c.23286ACCCAGTGA[1], p.7762EPS[1] (NM_133437.4); c.22719_22727delACCCAGTGA (NM_003319.4).
Identifiers: ClinVar variation 596410 (VCV000596410.7), dbSNP rs942590648, ClinGen allele CA60986576.

ClinVar aggregate classification (germline): Uncertain significance. Review status: criteria provided, multiple submitters, no conflicts (2 of 4 stars). 2 submissions from 2 submitters: Uncertain significance (2). Last evaluated 2019-08-07.

Conditions:
Cardiovascular phenotype. Identifiers: MedGen CN230736.

Submissions (2):

Ambry Genetics
Classification: Uncertain significance for Cardiovascular phenotype. Last evaluated: 2019-08-07. Review status: criteria provided, single submitter. Criteria: Ambry Variant Classification Scheme 2023. Collection method: clinical testing. Allele origin: germline.
Comment: The c.22719_22727delACCCAGTGA variant (also known as p.E7573_S7575del), located in coding exon 92 of the TTN gene, results from an in-frame deletion of ACCCAGTGA at nucleotide positions 22719 to 22727. This results in the in-frame deletion of three amino acids (glutamic acid, phenylalanine and serine) at codons 7573 to 7575. These amino acid positions are highly conserved in available vertebrate species. In addition, this alteration is predicted to be deleterious by in silico analysis (Choi Y et al. PLoS ONE. 2012; 7(10):e46688). Since supporting evidence is limited at this time, the clinical significance of this alteration remains unclear.

Eurofins Ntd Llc (ga)
Classification: Uncertain significance. Last evaluated: 2018-03-13. Review status: criteria provided, single submitter. Criteria: EGL ClinVar v180209 classification definitions. Collection method: clinical testing. Allele origin: germline. Observed: 1 variant allele, 1 heterozygote.